The following is an entry in ClinVar:

NM_004369.4(COL6A3):c.7174+5G>T

Gene: COL6A3 (collagen type VI alpha 3 chain; minus strand). Cytogenetic location: 2q37.3.
Variant type: single nucleotide variant.
Coding change: c.7174+5G>T on transcript NM_004369.4 (MANE Select); 5 bases into the intron after coding-DNA position 7174, G replaced by T.
Molecular consequence: intron variant.
Genome position (GRCh38, 1-based): chr2:237,344,936, C>A on the plus strand (G>T on the coding strand, the complement: COL6A3 is on the minus strand). VCF-style: chr2-237344936-C-A. GRCh37 (hg19) VCF-style: chr2-238253579-C-A.
Other names: c.5353+5G>T (NM_057166.5); c.6556+5G>T (NM_057167.4).
Identifiers: ClinVar variation 2000346 (VCV002000346.4), dbSNP rs777424537, ClinGen allele CA2187877.

ClinVar aggregate classification (germline): Uncertain significance (1 of 4 stars; one submission).

Conditions:
Bethlem myopathy 1A. Also called: MYOPATHY, BENIGN CONGENITAL, WITH CONTRACTURES; Bethlem myopathy 1; Bethlem Muscular Dystrophy. Identifiers: Orphanet 610, MedGen CN029274, MONDO:0024530, OMIM 158810.

Allele frequency attached by ClinVar (database versions not stated): ExAC 0.00001.
gnomAD v4.1: 5 of 1,614,108 alleles (0.00031%); highest among the groups gnomAD compares: East Asian, 0.011%; no homozygotes.

Submission:

Labcorp Genetics (formerly Invitae), Labcorp
Classification: Uncertain significance for Bethlem myopathy 1A. Last evaluated: 2022-03-04. Review status: criteria provided, single submitter. Criteria: Invitae Variant Classification Sherloc (09022015). Collection method: clinical testing. Allele origin: germline.
Comment: In summary, the available evidence is currently insufficient to determine the role of this variant in disease. Therefore, it has been classified as a Variant of Uncertain Significance. Variants that disrupt the consensus splice site are a relatively common cause of aberrant splicing (PMID: 17576681, 9536098). Algorithms developed to predict the effect of sequence changes on RNA splicing suggest that this variant may disrupt the consensus splice site. This variant has not been reported in the literature in individuals affected with COL6A3-related conditions. This variant is not present in population databases (gnomAD no frequency). This sequence change falls in intron 35 of the COL6A3 gene. It does not directly change the encoded amino acid sequence of the COL6A3 protein. It affects a nucleotide within the consensus splice site.

Literature cited by the submitters: PubMed 17576681; PubMed 9536098.